The following is an entry in ClinVar:

ClinVar aggregate classification (germline): Uncertain significance (1 of 4 stars; one submission).

Conditions:
Orthostatic hypotension 1 (ORTHYP1). Also called: NORADRENALINE DEFICIENCY; NOREPINEPHRINE DEFICIENCY; Dopamine beta-hydroxylase deficiency; Orthostatic hypotension 1, due to DBH deficiency. Identifiers: Orphanet 230, MedGen C4746777, MONDO:0009123, OMIM 223360.

Allele frequency attached by ClinVar (database versions not stated): gnomAD exomes 0.00001; gnomAD 0.00002; TOPMed 0.00002.

Submission:

Labcorp Genetics (formerly Invitae), Labcorp
Classification: Uncertain significance for Orthostatic hypotension 1. Last evaluated: 2024-11-04. Review status: criteria provided, single submitter. Criteria: Invitae Variant Classification Sherloc (09022015). Collection method: clinical testing. Allele origin: germline.
Comment: This sequence change replaces methionine, which is neutral and non-polar, with threonine, which is neutral and polar, at codon 449 of the DBH protein (p.Met449Thr). This variant is present in population databases (no rsID available, gnomAD 0.003%). This variant has not been reported in the literature in individuals affected with DBH-related conditions. ClinVar contains an entry for this variant (Variation ID: 1416709). Invitae Evidence Modeling of protein sequence and biophysical properties (such as structural, functional, and spatial information, amino acid conservation, physicochemical variation, residue mobility, and thermodynamic stability) indicates that this missense variant is not expected to disrupt DBH protein function with a negative predictive value of 80%. In summary, the available evidence is currently insufficient to determine the role of this variant in disease. Therefore, it has been classified as a Variant of Uncertain Significance.

NM_000787.4(DBH):c.1346T>C (p.Met449Thr)

Gene: DBH (dopamine beta-hydroxylase; plus strand). Cytogenetic location: 9q34.2.
Variant type: single nucleotide variant.
Coding change: c.1346T>C on transcript NM_000787.4 (MANE Select); coding-DNA position 1346, T replaced by C.
Protein change: p.Met449Thr; replaces methionine 449 with threonine.
Molecular consequence: missense variant.
Genome position (GRCh38, 1-based): chr9:133,652,256, T>C. VCF-style: chr9-133652256-T-C. GRCh37 (hg19) VCF-style: chr9-136517378-T-C.
Other names: short protein forms M449T.
Identifiers: ClinVar variation 1416709 (VCV001416709.7), dbSNP rs1238947756, ClinGen allele CA375419446.